The following is an entry in ClinVar:

NM_003742.4(ABCB11):c.2178+3C>T

Gene: ABCB11 (ATP binding cassette subfamily B member 11; minus strand). Cytogenetic location: 2q31.1.
Variant type: single nucleotide variant.
Coding change: c.2178+3C>T on transcript NM_003742.4 (MANE Select); 3 bases into the intron after coding-DNA position 2178, C replaced by T.
Molecular consequence: intron variant.
Genome position (GRCh38, 1-based): chr2:168,964,203, G>A on the plus strand (C>T on the coding strand, the complement: ABCB11 is on the minus strand). VCF-style: chr2-168964203-G-A. GRCh37 (hg19) VCF-style: chr2-169820713-G-A.
Identifiers: ClinVar variation 4998370 (VCV004998370.1).

ClinVar aggregate classification (germline): Likely benign (1 of 4 stars; one submission).

Conditions:
ABCB11-related disorder. Also called: ABCB11-related condition.

gnomAD v4.1: 3 of 1,550,672 alleles (0.00019%); highest among the groups gnomAD compares: South Asian, 0.0036%; no homozygotes.

Submission:

PreventionGenetics, part of Exact Sciences
Classification: Likely benign for ABCB11-related condition. Last evaluated: 2025-05-13. Review status: criteria provided, single submitter. Criteria: ACMG Guidelines, 2015. Collection method: clinical testing. Allele origin: germline.
Comment: This variant is classified as likely benign based on ACMG/AMP sequence variant interpretation guidelines (Richards et al. 2015 PMID: 25741868, with internal and published modifications).